The following is an entry in ClinVar:

ClinVar aggregate classification (germline): Uncertain significance (1 of 4 stars; one submission).

Submission:

Labcorp Genetics (formerly Invitae), Labcorp
Classification: Uncertain significance. Last evaluated: 2023-12-04. Review status: criteria provided, single submitter. Criteria: Invitae Variant Classification Sherloc (09022015). Collection method: clinical testing. Allele origin: germline.
Comment: This sequence change replaces arginine, which is basic and polar, with glycine, which is neutral and non-polar, at codon 2001 of the USH2A protein (p.Arg2001Gly). This variant is not present in population databases (gnomAD no frequency). This variant has not been reported in the literature in individuals affected with USH2A-related conditions. ClinVar contains an entry for this variant (Variation ID: 1992678). Advanced modeling of protein sequence and biophysical properties (such as structural, functional, and spatial information, amino acid conservation, physicochemical variation, residue mobility, and thermodynamic stability) performed at Invitae indicates that this missense variant is not expected to disrupt USH2A protein function with a negative predictive value of 95%. In summary, the available evidence is currently insufficient to determine the role of this variant in disease. Therefore, it has been classified as a Variant of Uncertain Significance.

NM_206933.4(USH2A):c.6001C>G (p.Arg2001Gly)

Gene: USH2A (usherin; minus strand). Cytogenetic location: 1q41.
Variant type: single nucleotide variant.
Coding change: c.6001C>G on transcript NM_206933.4 (MANE Select); coding-DNA position 6001, C replaced by G.
Protein change: p.Arg2001Gly; replaces arginine 2001 with glycine.
Molecular consequence: missense variant.
Genome position (GRCh38, 1-based): chr1:216,070,149, G>C on the plus strand (C>G on the coding strand, the complement: USH2A is on the minus strand). VCF-style: chr1-216070149-G-C. GRCh37 (hg19) VCF-style: chr1-216243491-G-C.
Other names: short protein forms R2001G.
Identifiers: ClinVar variation 1992678 (VCV001992678.4), dbSNP rs141539554, ClinGen allele CA344861978.